The following is an entry in ClinVar:

NM_004260.4(RECQL4):c.2200G>A (p.Gly734Ser)

Gene: RECQL4 (RecQ like helicase 4; minus strand). Cytogenetic location: 8q24.3.
Variant type: single nucleotide variant.
Coding change: c.2200G>A on transcript NM_004260.4 (MANE Select); coding-DNA position 2200, G replaced by A.
Protein change: p.Gly734Ser; replaces glycine 734 with serine.
Molecular consequence: missense variant.
Genome position (GRCh38, 1-based): chr8:144,513,571, C>T on the plus strand (G>A on the coding strand, the complement: RECQL4 is on the minus strand). VCF-style: chr8-144513571-C-T. GRCh37 (hg19) VCF-style: chr8-145738955-C-T.
Other names: c.2104G>A, p.Gly702Ser (NM_001413017.1, NM_001413020.1); c.2200G>A, p.Gly734Ser (NM_001413018.1, NM_001413019.1, NM_001413036.1); c.1129G>A, p.Gly377Ser (NM_001413021.1, NM_001413022.1, NM_001413023.1 and 6 more transcripts); c.2071G>A, p.Gly691Ser (NM_001413025.1); c.1063G>A, p.Gly355Ser (NM_001413027.1, NM_001413041.1, NM_001413030.1 and 1 more transcripts); c.1849G>A, p.Gly617Ser (NM_001413029.1); c.1099G>A, p.Gly367Ser (NM_001413042.1); c.733G>A, p.Gly245Ser (NM_001413043.1); and 4 more; short protein forms G245S, G333S, G690S, G311S, G355S, G691S, G377S, G617S.
Identifiers: ClinVar variation 2201867 (VCV002201867.4), dbSNP rs1306483318, ClinGen allele CA372679552.

ClinVar aggregate classification (germline): Uncertain significance (1 of 4 stars; one submission).

Conditions:
Baller-Gerold syndrome (BGS). Also called: CRANIOSYNOSTOSIS WITH RADIAL DEFECTS. Identifiers: Orphanet 1225, MedGen C0265308, MONDO:0009039, OMIM 218600.

Allele frequency attached by ClinVar (database versions not stated): gnomAD exomes 0.00001; gnomAD 0.00002; TOPMed 0.00002.
gnomAD v4.1: 17 of 1,610,720 alleles (0.0011%); highest among the groups gnomAD compares: African/African-American, 0.0027%; no homozygotes.

Submission:

Labcorp Genetics (formerly Invitae), Labcorp
Classification: Uncertain significance for Baller-Gerold syndrome. Last evaluated: 2024-03-04. Review status: criteria provided, single submitter. Criteria: Invitae Variant Classification Sherloc (09022015). Collection method: clinical testing. Allele origin: germline.
Comment: This sequence change replaces glycine, which is neutral and non-polar, with serine, which is neutral and polar, at codon 734 of the RECQL4 protein (p.Gly734Ser). This variant also falls at the last nucleotide of exon 13, which is part of the consensus splice site for this exon. This variant is not present in population databases (gnomAD no frequency). This variant has not been reported in the literature in individuals affected with RECQL4-related conditions. ClinVar contains an entry for this variant (Variation ID: 2201867). Experimental studies and prediction algorithms are not available or were not evaluated, and the functional significance of this variant is currently unknown. Variants that disrupt the consensus splice site are a relatively common cause of aberrant splicing (PMID: 17576681, 9536098). Algorithms developed to predict the effect of sequence changes on RNA splicing suggest that this variant may disrupt the consensus splice site. In summary, the available evidence is currently insufficient to determine the role of this variant in disease. Therefore, it has been classified as a Variant of Uncertain Significance.

Literature cited by the submitters: PubMed 17576681; PubMed 9536098.